The following is an entry in ClinVar:

ClinVar aggregate classification (germline): Conflicting classifications of pathogenicity. Review status: criteria provided, conflicting classifications (1 of 4 stars). 4 submissions from 4 submitters: Uncertain significance (3); Likely benign (1). Last evaluated 2024-05-22.

Conditions:
Cataract 41 (CTRCT41). Also called: CATARACT 41, CONGENITAL NUCLEAR TYPE. Identifiers: Orphanet 91492, Orphanet 98991, Orphanet 98992, Orphanet 98995, MedGen C3805412, MONDO:0007287, OMIM 116400.
Wolfram syndrome 1 (WFS1). Identifiers: Orphanet 3463, MedGen C4551693, MONDO:0009101, OMIM 222300.
Autosomal dominant nonsyndromic hearing loss 6 (LFSNHL). Also called: Autosomal dominant nonsyndromic deafness 6; DEAFNESS, AUTOSOMAL DOMINANT 6; DEAFNESS, AUTOSOMAL DOMINANT 14; DEAFNESS, AUTOSOMAL DOMINANT 38. Identifiers: Orphanet 90635, MedGen C1833021, MONDO:0010963, OMIM 600965.
Type 2 diabetes mellitus. Also called: Type II diabetes mellitus. Identifiers: MedGen C0011860, MeSH D003924, MONDO:0005148, OMIM 125853, HP:0005978.
Wolfram-like syndrome. Also called: HEARING LOSS, PROGRESSIVE, WITH OPTIC ATROPHY AND/OR IMPAIRED GLUCOSE REGULATION. Identifiers: Orphanet 411590, MedGen C3280358, MONDO:0013673, OMIM 614296.

gnomAD v4.1: 50 of 1,575,768 alleles (0.0032%); highest among the groups gnomAD compares: Non-Finnish European, 0.004%; no homozygotes.

Submissions (4):

Fulgent Genetics
Classification: Uncertain significance for Cataract 41; Type 2 diabetes mellitus; Wolfram syndrome 1; Autosomal dominant nonsyndromic hearing loss 6; Wolfram-like syndrome. Last evaluated: 2024-05-22. Review status: criteria provided, single submitter. Criteria: ACMG Guidelines, 2015. Collection method: clinical testing. Allele origin: germline.

GeneDx
Classification: Uncertain significance. Last evaluated: 2022-11-17. Review status: criteria provided, single submitter. Criteria: GeneDx Variant Classification Process June 2021. Collection method: clinical testing. Allele origin: germline. Affected: yes.
Comment: In silico analysis supports that this missense variant does not alter protein structure/function; Has not been previously published as pathogenic or benign to our knowledge

Labcorp Genetics (formerly Invitae), Labcorp
Classification: Uncertain significance. Last evaluated: 2022-10-17. Review status: criteria provided, single submitter. Criteria: Invitae Variant Classification Sherloc (09022015). Collection method: clinical testing. Allele origin: germline.
Comment: This sequence change replaces proline, which is neutral and non-polar, with alanine, which is neutral and non-polar, at codon 52 of the WFS1 protein (p.Pro52Ala). This variant is present in population databases (no rsID available, gnomAD 0.004%). This variant has not been reported in the literature in individuals affected with WFS1-related conditions. Advanced modeling of protein sequence and biophysical properties (such as structural, functional, and spatial information, amino acid conservation, physicochemical variation, residue mobility, and thermodynamic stability) performed at Invitae indicates that this missense variant is not expected to disrupt WFS1 protein function. In summary, the available evidence is currently insufficient to determine the role of this variant in disease. Therefore, it has been classified as a Variant of Uncertain Significance.

Blueprint Genetics
Classification: Likely benign. Last evaluated: 2019-10-15. Review status: criteria provided, single submitter. Criteria: ACMG Guidelines, 2015. Collection method: clinical testing. Allele origin: germline.

NM_006005.3(WFS1):c.154C>G (p.Pro52Ala)

Gene: WFS1 (wolframin ER transmembrane glycoprotein; plus strand). Cytogenetic location: 4p16.1.
Variant type: single nucleotide variant.
Coding change: c.154C>G on transcript NM_006005.3 (MANE Select); coding-DNA position 154, C replaced by G.
Protein change: p.Pro52Ala; replaces proline 52 with alanine.
Molecular consequence: missense variant.
Genome position (GRCh38, 1-based): chr4:6,277,609, C>G. VCF-style: chr4-6277609-C-G. GRCh37 (hg19) VCF-style: chr4-6279336-C-G.
Other names: c.154C>G, p.Pro52Ala (NM_001145853.1); short protein forms P52A.
Identifiers: ClinVar variation 1800547 (VCV001800547.7), dbSNP rs111773340, ClinGen allele CA91787485.